The following is an entry in ClinVar:

ClinVar aggregate classification (germline): Pathogenic (1 of 4 stars; one submission).

Conditions:
Baller-Gerold syndrome (BGS). Also called: CRANIOSYNOSTOSIS WITH RADIAL DEFECTS. Identifiers: Orphanet 1225, MedGen C0265308, MONDO:0009039, OMIM 218600.

Allele frequency attached by ClinVar (database versions not stated): gnomAD exomes below 0.00001; ExAC 0.00001; gnomAD 0.00001.

Submission:

Labcorp Genetics (formerly Invitae), Labcorp
Classification: Pathogenic for Baller-Gerold syndrome. Last evaluated: 2021-12-26. Review status: criteria provided, single submitter. Criteria: Invitae Variant Classification Sherloc (09022015). Collection method: clinical testing. Allele origin: germline.
Comment: This sequence change creates a premature translational stop signal (p.Gln957Argfs*93) in the RECQL4 gene. It is expected to result in an absent or disrupted protein product. Loss-of-function variants in RECQL4 are known to be pathogenic (PMID: 12734318, 12952869). For these reasons, this variant has been classified as Pathogenic. This variant has not been reported in the literature in individuals affected with RECQL4-related conditions. This variant is present in population databases (rs751422368, gnomAD 0.02%).

Literature cited by the submitters: PubMed 12734318; PubMed 12952869.

NM_004260.4(RECQL4):c.2853_2869dup (p.Gln957fs)

Gene: RECQL4 (RecQ like helicase 4; minus strand). Cytogenetic location: 8q24.3.
Variant type: Duplication.
Coding change: c.2853_2869dup on transcript NM_004260.4 (MANE Select); coding-DNA positions 2853 to 2869, 17 bases duplicated (GGGCCCTGCCCAGCTCC).
Protein change: p.Gln957fs; shifts the reading frame from glutamine 957.
Molecular consequence: frameshift variant.
Genome position (GRCh38, 1-based): chr8:144,512,658-144,512,674, GGAGCTGGGCAGGGCCC duplicated on the plus strand (GGGCCCTGCCCAGCTCC on the coding strand, the reverse complement: RECQL4 is on the minus strand). VCF-style (leftmost placement, unchanged base first): chr8-144512657-T-TGGAGCTGGGCAGGGCCC. GRCh37 (hg19) VCF-style: chr8-145738040-T-TGGAGCTGGGCAGGGCCC.
Other names: c.2559_2575dup, p.Gln859Argfs (NM_001413017.1); c.2655_2671dup, p.Gln891Argfs (NM_001413018.1); c.2928_2944dup, p.Gln982Argfs (NM_001413019.1); c.2757_2773dup, p.Gln925Argfs (NM_001413020.1); c.1782_1798dup, p.Gln600Argfs (NM_001413021.1, NM_001413022.1, NM_001413024.1 and 4 more transcripts); c.1857_1873dup, p.Gln625Argfs (NM_001413023.1); c.2724_2740dup, p.Gln914Argfs (NM_001413025.1); c.1716_1732dup, p.Gln578Argfs (NM_001413027.1, NM_001413030.1, NM_001413032.1); and 9 more; short protein forms Q957fs.
Identifiers: ClinVar variation 1924629 (VCV001924629.5), dbSNP rs751422368, ClinGen allele CA4948047.